The following is an entry in ClinVar:

ClinVar aggregate classification (germline): Uncertain significance (1 of 4 stars; one submission).

Conditions:
Hereditary cancer-predisposing syndrome. Also called: Neoplastic Syndromes, Hereditary; Hereditary Cancer Syndrome; Hereditary neoplastic syndrome; Tumor predisposition. Identifiers: Orphanet 140162, MedGen C0027672, MeSH D009386, MONDO:0015356.

Submission:

Ambry Genetics
Classification: Uncertain significance for Hereditary cancer-predisposing syndrome. Last evaluated: 2023-06-05. Review status: criteria provided, single submitter. Criteria: Ambry Variant Classification Scheme 2023. Collection method: clinical testing. Allele origin: germline.
Comment: The p.C306S variant (also known as c.916T>A), located in coding exon 7 of the DICER1 gene, results from a T to A substitution at nucleotide position 916. The cysteine at codon 306 is replaced by serine, an amino acid with dissimilar properties. This amino acid position is conserved. In addition, the in silico prediction for this alteration is inconclusive. Since supporting evidence is limited at this time, the clinical significance of this alteration remains unclear.

NM_177438.3(DICER1):c.916T>A (p.Cys306Ser)

Gene: DICER1 (dicer 1, ribonuclease III; minus strand). Cytogenetic location: 14q32.13.
Variant type: single nucleotide variant.
Coding change: c.916T>A on transcript NM_177438.3 (MANE Select); coding-DNA position 916, T replaced by A.
Protein change: p.Cys306Ser; replaces cysteine 306 with serine.
Molecular consequence: missense variant. On other transcripts: 5 prime UTR variant (1), non-coding transcript variant (6).
Genome position (GRCh38, 1-based): chr14:95,124,656, A>T on the plus strand (T>A on the coding strand, the complement: DICER1 is on the minus strand). VCF-style: chr14-95124656-A-T. GRCh37 (hg19) VCF-style: chr14-95590993-A-T.
Other names: c.916T>A, p.Cys306Ser (NM_001195573.1, NM_001271282.3, NM_001291628.2 and 15 more transcripts); c.634T>A, p.Cys212Ser (NM_001395686.1); c.511T>A, p.Cys171Ser (NM_001395687.1, NM_001395688.1, NM_001395689.1 and 3 more transcripts); c.349T>A, p.Cys117Ser (NM_001395691.1); c.-653T>A (NM_001395697.1); short protein forms C117S, C306S, C171S, C212S.
Identifiers: ClinVar variation 2566225 (VCV002566225.2), dbSNP rs2543187908, ClinGen allele CA390887376.